The following is an entry in ClinVar:

ClinVar aggregate classification (germline): Uncertain significance (1 of 4 stars; one submission).

Conditions:
Cardiomyopathy (CMYO). Also called: Cardiomyopathies. Identifiers: Orphanet 167848, MedGen C0878544, MONDO:0004994, HP:0001638. Inheritance: Various modes of inheritance.

gnomAD v4.1: 1 of 1,607,812 alleles (0.000062%); highest among the groups gnomAD compares: South Asian, 0.0011%; no homozygotes.

Submission:

Color Diagnostics, LLC DBA Color Health
Classification: Uncertain significance for Cardiomyopathy. Last evaluated: 2025-08-17. Review status: criteria provided, single submitter. Criteria: ACMG Guidelines, 2015. Collection method: clinical testing. Allele origin: germline.
Comment: This variant is located in the RYR2 protein. To our knowledge, functional studies have not been reported for this variant. This variant has not been reported in individuals affected with RYR2-related disorders in the literature. This variant has not been identified in the general population by the Genome Aggregation Database (gnomAD). The available evidence is insufficient to determine the role of this variant in disease conclusively. Therefore, this variant is classified as a Variant of Uncertain Significance.

NM_001035.3(RYR2):c.10869A>T (p.Gly3623=)

Gene: RYR2 (ryanodine receptor 2; plus strand). Cytogenetic location: 1q43.
Variant type: single nucleotide variant.
Coding change: c.10869A>T on transcript NM_001035.3 (MANE Select); coding-DNA position 10869, A replaced by T.
Protein change: p.Gly3623=; no amino-acid change (glycine 3623 retained).
Molecular consequence: synonymous variant.
Genome position (GRCh38, 1-based): chr1:237,730,290, A>T. VCF-style: chr1-237730290-A-T. GRCh37 (hg19) VCF-style: chr1-237893590-A-T.
Identifiers: ClinVar variation 4758001 (VCV004758001.1).